The following is an entry in ClinVar:

ClinVar aggregate classification (germline): Pathogenic (1 of 4 stars; one submission).

Conditions:
Treacher Collins syndrome 1 (TCS1). Also called: TCOF1-Related Treacher Collins Syndrome. Identifiers: Orphanet 861, MedGen CN315775, MONDO:0007944, OMIM 154500.

Submission:

Labcorp Genetics (formerly Invitae), Labcorp
Classification: Pathogenic for Treacher Collins syndrome 1. Last evaluated: 2025-04-04. Review status: criteria provided, single submitter. Criteria: Invitae Variant Classification Sherloc (09022015). Collection method: clinical testing. Allele origin: germline.
Comment: This sequence change creates a premature translational stop signal (p.Gln370Argfs*123) in the TCOF1 gene. It is expected to result in an absent or disrupted protein product. Loss-of-function variants in TCOF1 are known to be pathogenic (PMID: 8894686, 22317976). This variant is not present in population databases (gnomAD no frequency). This variant has not been reported in the literature in individuals affected with TCOF1-related conditions. For these reasons, this variant has been classified as Pathogenic.

Literature cited by the submitters: PubMed 8894686; PubMed 22317976.

NM_001371623.1(TCOF1):c.1108del (p.Gln370fs)

Gene: TCOF1 (treacle ribosome biogenesis factor 1; plus strand). Cytogenetic location: 5q32.
Variant type: Deletion.
Coding change: c.1108del on transcript NM_001371623.1 (MANE Select); coding-DNA position 1108, one base deleted (C; older notation c.1108delC).
Protein change: p.Gln370fs; shifts the reading frame from glutamine 370.
Molecular consequence: frameshift variant.
Genome position (GRCh38, 1-based): chr5:150,374,641, C deleted. VCF-style (leftmost placement, unchanged base first): chr5-150374640-TC-T. GRCh37 (hg19) VCF-style: chr5-149754203-TC-T.
Other names: c.877del, p.Gln293fs (NM_000356.4, NM_001135245.2, NM_001437406.1); c.1108del, p.Gln370fs (NM_001008657.3, NM_001135243.2, NM_001135244.2 and 1 more transcripts); short protein forms Q293fs, Q370fs.
Identifiers: ClinVar variation 4716578 (VCV004716578.1).
Genomic context (GRCh38, chr5:150,374,640, plus strand): 5'-ATCCTCTGGGCTGTCTCCCCTTGTCTTGTTTCTCCAGGCGAAGGCCTCAGGAAAAACCTC[TC>T]AGGTCGGAGCTGCCTCAGCCCCTGCCAAGGAGTCCCCCAGGAAAGGAGCTGCCCCAGCGC-3'